The following is an entry in ClinVar:

NM_003386.3(ZAN):c.278C>T (p.Ser93Leu)

Gene: ZAN (zonadhesin; plus strand). Cytogenetic location: 7q22.1.
Variant type: single nucleotide variant.
Coding change: c.278C>T on transcript NM_003386.3 (MANE Select); coding-DNA position 278, C replaced by T.
Protein change: p.Ser93Leu; replaces serine 93 with leucine.
Molecular consequence: missense variant. On other transcripts: non-coding transcript variant (3).
Genome position (GRCh38, 1-based): chr7:100,736,833, C>T. VCF-style: chr7-100736833-C-T. GRCh37 (hg19) VCF-style: chr7-100334456-C-T.
Other names: c.278C>T, p.Ser93Leu (NM_173059.3); short protein forms S93L.
Identifiers: ClinVar variation 3191724 (VCV003191724.2), dbSNP rs776645260, ClinGen allele CA4389711.
Genomic context (GRCh38, chr7:100,736,833, plus strand): 5'-GCTGGGCCTCAGTGTCTTGGGCTCTGCCTCCCCCAGAGGGCAGCTATCTGCATATGGAAT[C>T]GAACAGCTTCCACCGTGGGGGAGTGGCCCGCCTGCTCAGCCCCGACCTATGGGAGCAAGG-3'
Protein context (NP_003377.2, residues 83-103): NGEGSYLHME[Ser93Leu]NSFHRGGVAR

ClinVar aggregate classification (germline): Uncertain significance (1 of 4 stars; one submission).

Allele frequency attached by ClinVar (database versions not stated): gnomAD 0.00002; ExAC 0.00008; gnomAD exomes 0.00003.
gnomAD v4.1: 41 of 1,480,364 alleles (0.0028%); highest among the groups gnomAD compares: Admixed American, 0.0098%; 9 homozygotes.

Submission:

Ambry Genetics
Classification: Uncertain significance. Last evaluated: 2026-07-19. Review status: criteria provided, single submitter. Criteria: Ambry Variant Classification Scheme 2023. Collection method: clinical testing. Allele origin: germline.
Comment: The c.278C>T (p.S93L) alteration is located in exon 5 (coding exon 4) of the ZAN gene. This alteration results from a C to T substitution at nucleotide position 278, causing the serine (S) at amino acid position 93 to be replaced by a leucine (L). Based on data from gnomAD, the T allele has an overall frequency of 0.005% (8/169588) total alleles studied. The highest observed frequency was 0.011% (3/26294) of Latino alleles. Based on insufficient or conflicting evidence, the clinical significance of this alteration remains unclear.